The following is an entry in ClinVar:

NM_001286445.3(RIPOR2):c.2482G>A (p.Glu828Lys)

Gene: RIPOR2 (RHO family interacting cell polarization regulator 2; minus strand). Cytogenetic location: 6p22.3.
Variant type: single nucleotide variant.
Coding change: c.2482G>A on transcript NM_001286445.3 (MANE Select); coding-DNA position 2482, G replaced by A.
Protein change: p.Glu828Lys; replaces glutamic acid 828 with lysine.
Molecular consequence: missense variant.
Genome position (GRCh38, 1-based): chr6:24,830,533, C>T on the plus strand (G>A on the coding strand, the complement: RIPOR2 is on the minus strand). VCF-style: chr6-24830533-C-T. GRCh37 (hg19) VCF-style: chr6-24830761-C-T.
Other names: c.2395G>A, p.Glu799Lys (NM_001346031.2, NM_001346032.2); c.2545G>A, p.Glu849Lys (NM_014722.5); short protein forms E799K, E849K, E828K.
Identifiers: ClinVar variation 3433784 (VCV003433784.3).

ClinVar aggregate classification (germline): Uncertain significance. Review status: criteria provided, multiple submitters, no conflicts (2 of 4 stars). 2 submissions from 2 submitters: Uncertain significance (2). Last evaluated 2024-09-27.

Submissions (2):

Ambry Genetics
Classification: Uncertain significance. Last evaluated: 2024-09-27. Review status: criteria provided, single submitter. Criteria: Ambry Variant Classification Scheme 2023. Collection method: clinical testing. Allele origin: germline.

Labcorp Genetics (formerly Invitae), Labcorp
Classification: Uncertain significance. Last evaluated: 2024-09-15. Review status: criteria provided, single submitter. Criteria: Invitae Variant Classification Sherloc (09022015). Collection method: clinical testing. Allele origin: germline.
Comment: This sequence change replaces glutamic acid, which is acidic and polar, with lysine, which is basic and polar, at codon 849 of the FAM65B protein (p.Glu849Lys). This variant is not present in population databases (gnomAD no frequency). This variant has not been reported in the literature in individuals affected with FAM65B-related conditions. An algorithm developed to predict the effect of missense changes on protein structure and function (PolyPhen-2) suggests that this variant is likely to be tolerated. In summary, the available evidence is currently insufficient to determine the role of this variant in disease. Therefore, it has been classified as a Variant of Uncertain Significance.